The following is an entry in ClinVar:

ClinVar aggregate classification (germline): Uncertain significance. Review status: criteria provided, single submitter (1 of 4 stars). 3 submissions from 2 submitters: Uncertain significance (1). 2 of the submissions do not count toward it. Last evaluated 2023-06-14.

Conditions:
Malignant tumor of breast. Also called: Malignant breast neoplasm; Cancer breast. Identifiers: MedGen C0006142, MONDO:0007254. Disease mechanism: loss of function.
Malignant neoplasm of brain. Also called: Brain cancer; Malignant brain neoplasm. Identifiers: MedGen C0153633, MONDO:0001657.
Hereditary cancer-predisposing syndrome. Also called: Neoplastic Syndromes, Hereditary; Hereditary Cancer Syndrome; Hereditary neoplastic syndrome; Tumor predisposition. Identifiers: Orphanet 140162, MedGen C0027672, MeSH D009386, MONDO:0015356.

Submissions (3):

Ambry Genetics
Classification: Uncertain significance for Hereditary cancer-predisposing syndrome. Last evaluated: 2023-06-14. Review status: criteria provided, single submitter. Criteria: Ambry Variant Classification Scheme 2023. Collection method: clinical testing. Allele origin: germline.
Comment: The p.G204V variant (also known as c.611G>T), located in coding exon 5 of the ATM gene, results from a G to T substitution at nucleotide position 611. The glycine at codon 204 is replaced by valine, an amino acid with dissimilar properties. This variant was also observed in 1/3251 individuals who met eligibility criteria for hereditary breast and ovarian cancer syndrome (Lerner-Ellis J et al. J Cancer Res Clin Oncol, 2021 Mar;147:871-879). This amino acid position is well conserved in available vertebrate species. In addition, this alteration is predicted to be tolerated by in silico analysis. Since supporting evidence is limited at this time, the clinical significance of this alteration remains unclear.

Department of Pathology and Laboratory Medicine, Sinai Health System
Classification: Uncertain significance for Malignant tumor of breast. Review status: no assertion criteria provided. Collection method: clinical testing. Allele origin: unknown. Affected: yes. Study: The Canadian Open Genetics Repository (COGR). Not counted in ClinVar's aggregate classification.
Comment: The ATM p.Gly204Val variant was not identified in the literature nor was it identified in the dbSNP, LOVD 3.0, the Exome Aggregation Consortium (August 8th 2016) or the Genome Aggregation Database (Feb 27, 2017). The variant was identified in ClinVar (1x as uncertain significance by Ambry Genetics). The p.Gly204 residue is conserved in mammals and computational analyses (PolyPhen-2, SIFT, AlignGVGD, BLOSUM, MutationTaster) provide inconsistent predictions regarding the impact to the protein; this information is not very predictive of pathogenicity. The variant occurs outside of the splicing consensus sequence and in silico or computational prediction software programs (SpliceSiteFinder, MaxEntScan, NNSPLICE, GeneSplicer) do not predict a difference in splicing. In summary, based on the above information the clinical significance of this variant cannot be determined with certainty at this time. This variant is classified as a variant of uncertain significance.

Department of Pathology and Laboratory Medicine, Sinai Health System
Classification: Uncertain significance for Malignant neoplasm of brain. Review status: no assertion criteria provided. Collection method: clinical testing. Allele origin: unknown. Affected: yes. Study: The Canadian Open Genetics Repository (COGR). Not counted in ClinVar's aggregate classification.
Comment: the same text as in the submission from Department of Pathology and Laboratory Medicine, Sinai Health System above.

Literature cited by the submitters: PubMed 32885271 (cited by Ambry Genetics).

NM_000051.4(ATM):c.611G>T (p.Gly204Val)

Gene: ATM (ATM serine/threonine kinase; plus strand). Cytogenetic location: 11q22.3.
Variant type: single nucleotide variant.
Coding change: c.611G>T on transcript NM_000051.4 (MANE Select); coding-DNA position 611, G replaced by T.
Protein change: p.Gly204Val; replaces glycine 204 with valine.
Molecular consequence: missense variant.
Genome position (GRCh38, 1-based): chr11:108,244,067, G>T. VCF-style: chr11-108244067-G-T. GRCh37 (hg19) VCF-style: chr11-108114794-G-T.
Other names: c.611G>T, p.Gly204Val (NM_001351834.2); short protein forms G204V.
Identifiers: ClinVar variation 479094 (VCV000479094.8), dbSNP rs1555066451, ClinGen allele CA382528207.